The following is an entry in ClinVar:

ClinVar aggregate classification (germline): Pathogenic (1 of 4 stars; one submission).

Conditions:
Familial cancer of breast. Also called: Hereditary breast cancer; hereditary breast carcinoma; BREAST CANCER, FAMILIAL. Identifiers: Orphanet 227535, MedGen C0346153, MONDO:0016419, OMIM 114480. Disease mechanism: loss of function.

Submission:

Labcorp Genetics (formerly Invitae), Labcorp
Classification: Pathogenic for Familial cancer of breast. Last evaluated: 2022-01-23. Review status: criteria provided, single submitter. Criteria: Invitae Variant Classification Sherloc (09022015). Collection method: clinical testing. Allele origin: germline.
Comment: This variant is a gross deletion of the genomic region encompassing exon(s) 8-10 of the PALB2 gene. This deletion is out-of-frame, and is expected to create a premature termination codon and result in an absent or disrupted protein product. Loss-of-function variants in PALB2 are known to be pathogenic (PMID: 17200668, 17200671, 17200672, 24136930, 25099575). This variant has not been reported in the literature in individuals affected with PALB2-related conditions. For these reasons, this variant has been classified as Pathogenic.

Literature cited by the submitters: PubMed 17200668; PubMed 17200671; PubMed 17200672; PubMed 24136930; PubMed 25099575.

NC_000016.9:g.(?_23632673)_(23635425_?)del

Gene: PALB2 (partner and localizer of BRCA2; minus strand). Cytogenetic location: 16p12.2.
Variant type: Deletion.
Identifiers: ClinVar variation 1072092 (VCV001072092.6).